The following is an entry in ClinVar:

ClinVar aggregate classification (germline): Conflicting classifications of pathogenicity. Review status: criteria provided, conflicting classifications (1 of 4 stars). 2 submissions from 2 submitters: Likely pathogenic (1); Uncertain significance (1). Last evaluated 2024-11-05.

Conditions:
CACNA2D4-related disorder. Also called: CACNA2D4-related condition.

Submissions (2):

Labcorp Genetics (formerly Invitae), Labcorp
Classification: Uncertain significance. Last evaluated: 2024-11-05. Review status: criteria provided, single submitter. Criteria: Invitae Variant Classification Sherloc (09022015). Collection method: clinical testing. Allele origin: germline.
Comment: This sequence change affects an acceptor splice site in intron 7 of the CACNA2D4 gene. It is expected to disrupt RNA splicing. Variants that disrupt the donor or acceptor splice site typically lead to a loss of protein function (PMID: 16199547), however the current clinical and genetic evidence is not sufficient to establish whether loss-of-function variants in CACNA2D4 cause disease. This variant is not present in population databases (gnomAD no frequency). This variant has not been reported in the literature in individuals affected with CACNA2D4-related conditions. ClinVar contains an entry for this variant (Variation ID: 2101527). Algorithms developed to predict the effect of sequence changes on RNA splicing suggest that this variant may disrupt the consensus splice site. In summary, the available evidence is currently insufficient to determine the role of this variant in disease. Therefore, it has been classified as a Variant of Uncertain Significance.

Blueprint Genetics
Classification: Likely pathogenic for CACNA2D4-related disorders. Last evaluated: 2022-08-11. Review status: criteria provided, single submitter. Criteria: ACMG Guidelines, 2015. Collection method: clinical testing. Allele origin: germline. Affected: yes. Observed: 1 variant allele.

Literature cited by the submitters: PubMed 16199547 (cited by Labcorp Genetics (formerly Invitae), Labcorp).

NM_172364.5(CACNA2D4):c.843-1G>A

Gene: CACNA2D4 (calcium voltage-gated channel auxiliary subunit alpha2delta 4; minus strand). Cytogenetic location: 12p13.33.
Variant type: single nucleotide variant.
Coding change: c.843-1G>A on transcript NM_172364.5 (MANE Select); the canonical splice acceptor site of the intron before coding-DNA position 843, G replaced by A.
Molecular consequence: splice acceptor variant.
Genome position (GRCh38, 1-based): chr12:1,886,374, C>T on the plus strand (G>A on the coding strand, the complement: CACNA2D4 is on the minus strand). VCF-style: chr12-1886374-C-T. GRCh37 (hg19) VCF-style: chr12-1995540-C-T.
Identifiers: ClinVar variation 2101527 (VCV002101527.5), dbSNP rs2497249143, ClinGen allele CA383361037.